The following is an entry in ClinVar:

NM_000520.6(HEXA):c.50C>T (p.Ala17Val)

Gene: HEXA (hexosaminidase subunit alpha; minus strand). Cytogenetic location: 15q23.
Variant type: single nucleotide variant.
Coding change: c.50C>T on transcript NM_000520.6 (MANE Select); coding-DNA position 50, C replaced by T.
Protein change: p.Ala17Val; replaces alanine 17 with valine.
Molecular consequence: missense variant. On other transcripts: non-coding transcript variant (1).
Genome position (GRCh38, 1-based): chr15:72,375,923, G>A on the plus strand (C>T on the coding strand, the complement: HEXA is on the minus strand). VCF-style: chr15-72375923-G-A. GRCh37 (hg19) VCF-style: chr15-72668264-G-A.
Other names: c.50C>T, p.Ala17Val (NM_001318825.2); short protein forms A17V.
Identifiers: ClinVar variation 2169094 (VCV002169094.1), dbSNP rs2089060890, ClinGen allele CA393070729.

ClinVar aggregate classification (germline): Uncertain significance (1 of 4 stars; one submission).

Conditions:
Tay-Sachs disease (TSD). Also called: GM2 gangliosidosis, type 1; Hexosaminidase alpha-subunit deficiency (variant B); Sphingolipidosis, Tay-Sachs; Hexosaminidase A Deficiency; HEXA DEFICIENCY; HEXA Disorders. Identifiers: Orphanet 845, MedGen C0039373, MONDO:0010100, OMIM 272800.

Allele frequency attached by ClinVar (database versions not stated): TOPMed below 0.00001.

Submission:

Labcorp Genetics (formerly Invitae), Labcorp
Classification: Uncertain significance for Tay-Sachs disease. Last evaluated: 2018-04-12. Review status: criteria provided, single submitter. Criteria: Invitae Variant Classification Sherloc (09022015). Collection method: clinical testing. Allele origin: germline.
Comment: This sequence change replaces alanine with valine at codon 17 of the HEXA protein (p.Ala17Val). The alanine residue is moderately conserved and there is a small physicochemical difference between alanine and valine. This variant is not present in population databases (ExAC no frequency). This variant has not been reported in the literature in individuals with HEXA-related disease. In summary, the available evidence is currently insufficient to determine the role of this variant in disease. Therefore, it has been classified as a Variant of Uncertain Significance.